The following is an entry in ClinVar:

ClinVar aggregate classification (germline): Pathogenic (1 of 4 stars; one submission).

Conditions:
Hemolytic anemia due to glucophosphate isomerase deficiency (CNSHA4). Also called: ANEMIA, CONGENITAL, NONSPHEROCYTIC HEMOLYTIC, 4. Identifiers: Orphanet 712, MedGen C0272064, MONDO:0013275, OMIM 613470.

Allele frequency attached by ClinVar (database versions not stated): gnomAD exomes 0.00001; TOPMed below 0.00001; gnomAD 0.00001; ExAC 0.00002.
gnomAD v4.1: 14 of 1,614,042 alleles (0.00087%); highest among the groups gnomAD compares: Non-Finnish European, 0.0011%; no homozygotes.

Submission:

Department of Endocrinology, The Children’s Hospital of Zhejiang University School of Medicine
Classification: Pathogenic for Hemolytic anemia due to glucophosphate isomerase deficiency. Last evaluated: 2022-02-01. Review status: criteria provided, single submitter. Criteria: ACMG Guidelines, 2015. Collection method: provider interpretation. Allele origin: inherited. Affected: yes. Observed: 1 variant allele.
Comment: Note: This variant was found in clinical genetic testing performed by one or more labs who may also submit to ClinVar. Therefore, any internal case data may overlap with the internal case data of other submitters. The interpretation and rationale are that of the Department of Endocrinology, The Children’s Hospital of Zhejiang University School of Medicine.

This variant, NM_000175.3:c.301G>A, was found in compound heterozygosity with the likely pathogenic variant NM_000175.3:c.812delG.

Literature cited by the submitters: PubMed 10916680; PubMed 8822952.

NM_000175.5(GPI):c.301G>A (p.Val101Met)

Gene: GPI (glucose-6-phosphate isomerase; plus strand). Cytogenetic location: 19q13.11.
Variant type: single nucleotide variant.
Coding change: c.301G>A on transcript NM_000175.5 (MANE Select); coding-DNA position 301, G replaced by A.
Protein change: p.Val101Met; replaces valine 101 with methionine.
Molecular consequence: missense variant.
Genome position (GRCh38, 1-based): chr19:34,368,601, G>A. VCF-style: chr19-34368601-G-A. GRCh37 (hg19) VCF-style: chr19-34859506-G-A.
Other names: GPI Sarsina; c.418G>A, p.Val140Met (NM_001184722.1, NM_001289789.1); c.301G>A, p.Val101Met (NM_001289790.3, NM_001329909.1, NM_001329910.1 and 1 more transcripts); short protein forms V101M, V140M.
Identifiers: ClinVar variation 1697237 (VCV001697237.2), dbSNP rs757341382, ClinGen allele CA9366999.